The following is an entry in ClinVar:

ClinVar aggregate classification (germline): Uncertain significance (1 of 4 stars; one submission).

Conditions:
Ataxia-telangiectasia syndrome (AT). Also called: Cerebello-oculocutaneous telangiectasia; Immunodeficiency with ataxia telangiectasia; Ataxia-telangiectasia, complementation group E; LOUIS-BAR SYNDROME; Ataxia telangiectasia (A-T); AT, COMPLEMENTATION GROUP C. Identifiers: Orphanet 100, MedGen C0004135, MONDO:0008840, OMIM 208900.

Submission:

Labcorp Genetics (formerly Invitae), Labcorp
Classification: Uncertain significance for Ataxia-telangiectasia syndrome. Last evaluated: 2023-11-10. Review status: criteria provided, single submitter. Criteria: Invitae Variant Classification Sherloc (09022015). Collection method: clinical testing. Allele origin: germline.
Comment: This sequence change replaces cysteine, which is neutral and slightly polar, with tryptophan, which is neutral and slightly polar, at codon 536 of the ATM protein (p.Cys536Trp). This variant is not present in population databases (gnomAD no frequency). This variant has not been reported in the literature in individuals affected with ATM-related conditions. An algorithm developed to predict the effect of missense changes on protein structure and function (PolyPhen-2) suggests that this variant is likely to be tolerated. RNA analysis performed to evaluate the impact of this missense change on mRNA splicing indicates it does not significantly alter splicing (Invitae). In summary, the available evidence is currently insufficient to determine the role of this variant in disease. Therefore, it has been classified as a Variant of Uncertain Significance.

NM_000051.4(ATM):c.1608T>G (p.Cys536Trp)

Gene: ATM (ATM serine/threonine kinase; plus strand). Cytogenetic location: 11q22.3.
Variant type: single nucleotide variant.
Coding change: c.1608T>G on transcript NM_000051.4 (MANE Select); coding-DNA position 1608, T replaced by G.
Protein change: p.Cys536Trp; replaces cysteine 536 with tryptophan.
Molecular consequence: missense variant.
Genome position (GRCh38, 1-based): chr11:108,251,837, T>G. VCF-style: chr11-108251837-T-G. GRCh37 (hg19) VCF-style: chr11-108122564-T-G.
Other names: c.1608T>G, p.Cys536Trp (NM_001351834.2); short protein forms C536W.
Identifiers: ClinVar variation 2694665 (VCV002694665.3), dbSNP rs2080162888, ClinGen allele CA382534469.